The following is an entry in ClinVar:

NM_005861.4(STUB1):c.646T>C (p.Ser216Pro)

Genes: JMJD8 (jumonji domain containing 8; minus strand), STUB1 (STIP1 homology and U-box containing protein 1; plus strand). Cytogenetic location: 16p13.3.
Variant type: single nucleotide variant.
Coding change: c.646T>C on transcript NM_005861.4 (MANE Select); coding-DNA position 646, T replaced by C.
Protein change: p.Ser216Pro; replaces serine 216 with proline.
Molecular consequence: missense variant. On other transcripts: 3 prime UTR variant (5), non-coding transcript variant (3).
Genome position (GRCh38, 1-based): chr16:682,053, T>C. VCF-style: chr16-682053-T-C. GRCh37 (hg19) VCF-style: chr16-732053-T-C.
Other names: c.430T>C, p.Ser144Pro (NM_001293197.2); c.*741A>G (NM_001005920.4, NM_001323919.3, NM_001323920.3); c.*775A>G (NM_001323918.3, NM_001323922.3); short protein forms S144P, S216P.
Identifiers: ClinVar variation 4532285 (VCV004532285.1).

ClinVar aggregate classification (germline): Uncertain significance (1 of 4 stars; one submission).

Conditions:
Autosomal recessive spinocerebellar ataxia 16. Identifiers: Orphanet 412057, MedGen C5190574, MONDO:0014339, OMIM 615768.

gnomAD v4.1: 1 of 1,586,428 alleles (0.000063%); no homozygotes.

Submission:

Medical Molecular Genetics, National Research Centre
Classification: Uncertain significance for Autosomal recessive spinocerebellar ataxia 16. Last evaluated: 2025-11-01. Review status: criteria provided, single submitter. Criteria: ACMG Guidelines, 2015. Collection method: research. Allele origin: inherited. Affected: yes.
Comment: This homozygous missense variant in STUB1 (c.646T>C, p.Ser216Pro) was identified in a consanguineous family in which the clinical features are consistent with STUB1 related neurodevelopmental disorder. It is extremely rare in population databases, with a very low allele frequency in gnomAD v4 exomes and no reported homozygotes. Several in silico prediction tools suggest that this substitution is damaging and it affects a moderately conserved residue within the protein. Given the limited number of affected individuals and lack of functional studies, this variant is classified as a Variant of Uncertain Significance (PM2, PP3).